The following is an entry in ClinVar:

NM_003620.4(PPM1D):c.1487T>C (p.Ile496Thr)

Gene: PPM1D (protein phosphatase, Mg2+/Mn2+ dependent 1D; plus strand). Cytogenetic location: 17q23.2.
Variant type: single nucleotide variant.
Coding change: c.1487T>C on transcript NM_003620.4 (MANE Select); coding-DNA position 1487, T replaced by C.
Protein change: p.Ile496Thr; replaces isoleucine 496 with threonine.
Molecular consequence: missense variant.
Genome position (GRCh38, 1-based): chr17:60,663,221, T>C. VCF-style: chr17-60663221-T-C. GRCh37 (hg19) VCF-style: chr17-58740582-T-C.
Other names: short protein forms I496T.
Identifiers: ClinVar variation 2888238 (VCV002888238.3), dbSNP rs2031559540, ClinGen allele CA400457555.

ClinVar aggregate classification (germline): Uncertain significance (1 of 4 stars; one submission).

Allele frequency attached by ClinVar (database versions not stated): gnomAD 0.00001.
gnomAD v4.1: 1 of 1,614,084 alleles (0.000062%); highest among the groups gnomAD compares: African/African-American, 0.0013%; no homozygotes.

Submission:

Labcorp Genetics (formerly Invitae), Labcorp
Classification: Uncertain significance. Last evaluated: 2023-10-07. Review status: criteria provided, single submitter. Criteria: Invitae Variant Classification Sherloc (09022015). Collection method: clinical testing. Allele origin: germline.
Comment: This sequence change replaces isoleucine, which is neutral and non-polar, with threonine, which is neutral and polar, at codon 496 of the PPM1D protein (p.Ile496Thr). This variant is not present in population databases (gnomAD no frequency). This variant has not been reported in the literature in individuals affected with PPM1D-related conditions. An algorithm developed to predict the effect of missense changes on protein structure and function (PolyPhen-2) suggests that this variant is likely to be tolerated. In summary, the available evidence is currently insufficient to determine the role of this variant in disease. Therefore, it has been classified as a Variant of Uncertain Significance.